The following is an entry in ClinVar:

ClinVar aggregate classification (germline): Pathogenic (1 of 4 stars; one submission).

Conditions:
Galactosylceramide beta-galactosidase deficiency. Also called: GALACTOCEREBROSIDASE DEFICIENCY; GALC DEFICIENCY; GLOBOID CELL LEUKOENCEPHALOPATHY; Leukodystrophy, Globoid Cell; Krabbe Disease. Identifiers: Orphanet 487, MedGen C0023521, MONDO:0009499, OMIM 245200.

Submission:

Mendelics
Classification: Pathogenic for Galactosylceramide beta-galactosidase deficiency. Last evaluated: 2026-03-28. Review status: criteria provided, single submitter. Criteria: ACMG Guidelines, 2015. Collection method: clinical testing. Allele origin: unknown.
Comment: Deletion of gene GALC.

Single allele

Gene: GALC (galactosylceramidase; minus strand). Cytogenetic location: 14q31.3.
Variant type: Deletion.
Identifiers: ClinVar variation 4820228 (VCV004820228.1).